The following is an entry in ClinVar:

ClinVar aggregate classification (germline): Uncertain significance. Review status: criteria provided, multiple submitters, no conflicts (2 of 4 stars). 2 submissions from 2 submitters: Uncertain significance (2). Last evaluated 2025-08-13.

Conditions:
Hereditary cancer-predisposing syndrome. Also called: Neoplastic Syndromes, Hereditary; Tumor predisposition; Hereditary neoplastic syndrome; Hereditary Cancer Syndrome. Identifiers: Orphanet 140162, MedGen C0027672, MeSH D009386, MONDO:0015356.

gnomAD v4.1: 1 of 1,612,400 alleles (0.000062%); highest among the groups gnomAD compares: South Asian, 0.0011%; no homozygotes.

Submissions (2):

Labcorp Genetics (formerly Invitae), Labcorp
Classification: Uncertain significance. Last evaluated: 2025-08-13. Review status: criteria provided, single submitter. Criteria: Invitae Variant Classification Sherloc (09022015). Collection method: clinical testing. Allele origin: germline.
Comment: This sequence change replaces alanine, which is neutral and non-polar, with valine, which is neutral and non-polar, at codon 7 of the HOXB13 protein (p.Ala7Val). This variant is not present in population databases (gnomAD no frequency). This variant has not been reported in the literature in individuals affected with HOXB13-related conditions. ClinVar contains an entry for this variant (Variation ID: 4035940). An algorithm developed to predict the effect of missense changes on protein structure and function (PolyPhen-2) suggests that this variant is likely to be tolerated. In summary, the available evidence is currently insufficient to determine the role of this variant in disease. Therefore, it has been classified as a Variant of Uncertain Significance.

Ambry Genetics
Classification: Uncertain significance for Hereditary cancer-predisposing syndrome. Last evaluated: 2025-03-27. Review status: criteria provided, single submitter. Criteria: Ambry Variant Classification Scheme 2023. Collection method: clinical testing. Allele origin: germline.
Comment: The p.A7V variant (also known as c.20C>T), located in coding exon 1 of the HOXB13 gene, results from a C to T substitution at nucleotide position 20. The alanine at codon 7 is replaced by valine, an amino acid with similar properties. This amino acid position is conserved. In addition, the in silico prediction for this alteration is inconclusive. Based on the available evidence, the clinical significance of this variant remains unclear.

NM_006361.6(HOXB13):c.20C>T (p.Ala7Val)

Gene: HOXB13 (homeobox B13; minus strand). Cytogenetic location: 17q21.32.
Variant type: single nucleotide variant.
Coding change: c.20C>T on transcript NM_006361.6 (MANE Select); coding-DNA position 20, C replaced by T.
Protein change: p.Ala7Val; replaces alanine 7 with valine.
Molecular consequence: missense variant.
Genome position (GRCh38, 1-based): chr17:48,728,574, G>A on the plus strand (C>T on the coding strand, the complement: HOXB13 is on the minus strand). VCF-style: chr17-48728574-G-A. GRCh37 (hg19) VCF-style: chr17-46805936-G-A.
Other names: short protein forms A7V.
Identifiers: ClinVar variation 4035940 (VCV004035940.2).